The following is an entry in ClinVar:

NM_001844.5(COL2A1):c.1681-1dup

Gene: COL2A1 (collagen type II alpha 1 chain; minus strand). Cytogenetic location: 12q13.11.
Variant type: Duplication.
Coding change: c.1681-1dup on transcript NM_001844.5 (MANE Select); the canonical splice acceptor site of the intron before coding-DNA position 1681, one base duplicated (G; older notation c.1681-1dupG).
Molecular consequence: splice acceptor variant.
Genome position (GRCh38, 1-based): chr12:47,985,586, C duplicated on the plus strand (G on the coding strand, the reverse complement: COL2A1 is on the minus strand); the first of 3 consecutive C bases (chr12:47,985,586-47,985,588); duplicating any one gives the same sequence. VCF-style (leftmost placement, unchanged base first): chr12-47985585-A-AC. GRCh37 (hg19) VCF-style: chr12-48379368-A-AC.
Other names: c.1474-1dup (NM_033150.3).
Identifiers: ClinVar variation 503891 (VCV000503891.7), dbSNP rs1555167067, ClinGen allele CA658797887.
Genomic context (GRCh38, chr12:47,985,585, plus strand): 5'-TAGACTTACAGAAGGGCCAACTTTGCCTTGAGGACCAGCATCACCAGGGCGGCCAGTGAG[A>AC]CCCTTTGTTCAGGAGAGAGAAGAGGGTGGGGTCAGGAGCCGGCCCCAGGACCTCCCAATC-3'

ClinVar aggregate classification (germline): Pathogenic. Review status: criteria provided, multiple submitters, no conflicts (2 of 4 stars). 2 submissions from 2 submitters: Pathogenic (2). Last evaluated 2025-01-10.

Submissions (2):

GeneDx
Classification: Pathogenic. Last evaluated: 2025-01-10. Review status: criteria provided, single submitter. Criteria: GeneDx Variant Classification Process June 2021. Collection method: clinical testing. Allele origin: germline. Affected: yes.
Comment: Frameshift variant predicted to result in protein truncation or nonsense mediated decay in a gene for which loss of function is a known mechanism of disease; Not observed at significant frequency in large population cohorts (gnomAD); Has not been previously published as pathogenic or benign to our knowledge

Labcorp Genetics (formerly Invitae), Labcorp
Classification: Pathogenic. Last evaluated: 2023-09-12. Review status: criteria provided, single submitter. Criteria: Invitae Variant Classification Sherloc (09022015). Collection method: clinical testing. Allele origin: germline.
Comment: For these reasons, this variant has been classified as Pathogenic. ClinVar contains an entry for this variant (Variation ID: 503891). This variant has not been reported in the literature in individuals affected with COL2A1-related conditions. This variant is not present in population databases (gnomAD no frequency). This sequence change creates a premature translational stop signal (p.Leu562Serfs*7) in the COL2A1 gene. It is expected to result in an absent or disrupted protein product. Loss-of-function variants in COL2A1 are known to be pathogenic (PMID: 20179744).

Literature cited by the submitters: PubMed 20179744 (cited by Labcorp Genetics (formerly Invitae), Labcorp).